The following is an entry in ClinVar:

ClinVar aggregate classification (germline): Uncertain significance. Review status: criteria provided, multiple submitters, no conflicts (2 of 4 stars). 2 submissions from 2 submitters: Uncertain significance (2). Last evaluated 2024-05-28.

Conditions:
Dilated cardiomyopathy 1JJ (CMD1JJ). Identifiers: Orphanet 154, MedGen C3808935, MONDO:0014095, OMIM 615235.

Allele frequency attached by ClinVar (database versions not stated): gnomAD exomes below 0.00001.
gnomAD v4.1: 2 of 1,613,980 alleles (0.00012%); highest among the groups gnomAD compares: East Asian, 0.0022%; no homozygotes.

Submissions (2):

Labcorp Genetics (formerly Invitae), Labcorp
Classification: Uncertain significance for Dilated cardiomyopathy 1JJ. Last evaluated: 2024-05-28. Review status: criteria provided, single submitter. Criteria: Invitae Variant Classification Sherloc (09022015). Collection method: clinical testing. Allele origin: germline.
Comment: This sequence change replaces proline, which is neutral and non-polar, with leucine, which is neutral and non-polar, at codon 1774 of the LAMA4 protein (p.Pro1774Leu). This variant is not present in population databases (gnomAD no frequency). This variant has not been reported in the literature in individuals affected with LAMA4-related conditions. ClinVar contains an entry for this variant (Variation ID: 1312832). An algorithm developed to predict the effect of missense changes on protein structure and function (PolyPhen-2) suggests that this variant is likely to be tolerated. In summary, the available evidence is currently insufficient to determine the role of this variant in disease. Therefore, it has been classified as a Variant of Uncertain Significance.

GeneDx
Classification: Uncertain significance. Last evaluated: 2020-06-22. Review status: criteria provided, single submitter. Criteria: GeneDx Variant Classification Process June 2021. Collection method: clinical testing. Allele origin: germline. Affected: yes.
Comment: Has not been previously published as pathogenic or benign to our knowledge; Not observed in large population cohorts (Lek et al., 2016); In silico analysis supports that this missense variant does not alter protein structure/function

NM_001105206.3(LAMA4):c.5342C>T (p.Pro1781Leu)

Gene: LAMA4 (laminin subunit alpha 4; minus strand). Cytogenetic location: 6q21.
Variant type: single nucleotide variant.
Coding change: c.5342C>T on transcript NM_001105206.3 (MANE Select); coding-DNA position 5342, C replaced by T.
Protein change: p.Pro1781Leu; replaces proline 1781 with leucine.
Molecular consequence: missense variant.
Genome position (GRCh38, 1-based): chr6:112,109,567, G>A on the plus strand (C>T on the coding strand, the complement: LAMA4 is on the minus strand). VCF-style: chr6-112109567-G-A. GRCh37 (hg19) VCF-style: chr6-112430770-G-A.
Other names: c.5321C>T, p.Pro1774Leu (NM_001105207.3, NM_002290.5); short protein forms P1774L, P1781L.
Identifiers: ClinVar variation 1312832 (VCV001312832.4), dbSNP rs2114528955, ClinGen allele CA365363762.
Genomic context (GRCh38, chr6:112,109,567, plus strand): 5'-TGTCCATCAATCACAAAGTGGCGTATGCAGCCTGTGAAGGGTTTGCTGGGGGCCAAGCGT[G>A]GTGTCAGTAGAGATTCTGAAAAGAGCAAGAAATAAAAACAAAGATTGCAATTGAGGTATT-3'
Protein context (NP_001098676.2, residues 1771-1791): VGGVPESLLT[Pro1781Leu]RLAPSKPFTG